The following is an entry in ClinVar:

ClinVar aggregate classification (germline): Pathogenic (1 of 4 stars; one submission).

Conditions:
Neurofibromatosis, type 1 (NF1). Also called: Peripheral type neurofibromatosis; NEUROFIBROMATOSIS, TYPE I, SOMATIC; VON RECKLINGHAUSEN DISEASE; Neurofibromatosis, type I. Identifiers: Orphanet 636, MedGen C0027831, MONDO:0018975, OMIM 162200. Disease mechanism: loss of function.

Submission:

Labcorp Genetics (formerly Invitae), Labcorp
Classification: Pathogenic for Neurofibromatosis, type 1. Last evaluated: 2023-09-08. Review status: criteria provided, single submitter. Criteria: Invitae Variant Classification Sherloc (09022015). Collection method: clinical testing. Allele origin: germline.
Comment: For these reasons, this variant has been classified as Pathogenic. Algorithms developed to predict the effect of sequence changes on RNA splicing suggest that this variant may disrupt the consensus splice site. This variant has not been reported in the literature in individuals affected with NF1-related conditions. This variant is not present in population databases (gnomAD no frequency). This sequence change creates a premature translational stop signal (p.Ala2272Glnfs*2) in the NF1 gene. It is expected to result in an absent or disrupted protein product. Loss-of-function variants in NF1 are known to be pathogenic (PMID: 10712197, 23913538).

Literature cited by the submitters: PubMed 10712197; PubMed 23913538.

NM_001042492.3(NF1):c.6877_6880del (p.Ala2293fs)

Gene: NF1 (neurofibromin 1; plus strand). Cytogenetic location: 17q11.2.
Variant type: Deletion.
Coding change: c.6877_6880del on transcript NM_001042492.3 (MANE Select); coding-DNA positions 6877 to 6880, 4 bases deleted (GCTA; older notation c.6877_6880delGCTA).
Protein change: p.Ala2293fs; shifts the reading frame from alanine 2293.
Molecular consequence: frameshift variant.
Genome position (GRCh38, 1-based): chr17:31,338,761-31,338,764, GCTA deleted; deleting any 4 consecutive bases within chr17:31,338,760-31,338,764 gives the same sequence; the c. name uses the placement nearest the transcript's 3' end. VCF-style (leftmost placement, unchanged base first): chr17-31338759-AAGCT-A. GRCh37 (hg19) VCF-style: chr17-29665777-AAGCT-A.
Other names: c.6814_6817delGCTA, p.Ala2272Glnfs (NM_000267.4); short protein forms A2272fs, A2293fs.
Identifiers: ClinVar variation 2747563 (VCV002747563.3), dbSNP rs2508762858, ClinGen allele CA2697559627.
Genomic context (GRCh38, chr17:31,338,759, plus strand): 5'-AAAAGGCACTTGAGAGTTGCTTAAAAGGACCTGACACTTACAACAGTCAAGTTCTGATAG[AAGCT>A]ACAGTAATAGCACTAACCAAATTACAGCCACTTCTTAATAAGGTAATTACTGTATAGAAA-3'